The following is an entry in ClinVar:

NM_000458.4(HNF1B):c.494G>A (p.Arg165His)

Gene: HNF1B (HNF1 homeobox B; minus strand). Cytogenetic location: 17q12.
Variant type: single nucleotide variant.
Coding change: c.494G>A on transcript NM_000458.4 (MANE Select); coding-DNA position 494, G replaced by A.
Protein change: p.Arg165His; replaces arginine 165 with histidine.
Molecular consequence: missense variant.
Genome position (GRCh38, 1-based): chr17:37,739,490, C>T on the plus strand (G>A on the coding strand, the complement: HNF1B is on the minus strand). VCF-style: chr17-37739490-C-T. GRCh37 (hg19) VCF-style: chr17-36099481-C-T.
Other names: c.494G>A, p.Arg165His (NM_001165923.4, NM_001304286.2); c.494G>A (NM_000458.2); short protein forms R165H.
Identifiers: ClinVar variation 12647 (VCV000012647.31), dbSNP rs121918675, ClinGen allele CA122605.

ClinVar aggregate classification (germline): Pathogenic/Likely pathogenic. Review status: criteria provided, multiple submitters, no conflicts (2 of 4 stars). 16 submissions from 16 submitters: Pathogenic (8); Likely pathogenic (6). 2 of the submissions do not count toward it. Last evaluated 2026-06-08.

Conditions:
Nonpapillary renal cell carcinoma. Identifiers: Orphanet 422526, MedGen CN074294, MONDO:0007763, OMIM 144700.
Type 2 diabetes mellitus. Also called: Type II diabetes mellitus. Identifiers: MedGen C0011860, MeSH D003924, MONDO:0005148, OMIM 125853, HP:0005978.
Renal cysts and diabetes syndrome (RCAD). Also called: MATURITY-ONSET DIABETES OF THE YOUNG, TYPE 5; Familial hypoplastic, glomerulocystic kidney. Identifiers: Orphanet 93111, MedGen C0431693, MONDO:0007669, OMIM 137920.
Maturity-onset diabetes of the young (MODY). Also called: Maturity onset diabetes mellitus in young. Identifiers: Orphanet 552, MedGen C0342276, MONDO:0018911, HP:0004904.

Submissions (16):

Department of Molecular Genetics, Istishari Arab Hospital
Classification: Pathogenic for Renal cysts and diabetes syndrome. Last evaluated: 2026-06-08. Review status: criteria provided, single submitter. Criteria: ACMG Guidelines, 2015. Collection method: clinical testing. Allele origin: germline. Inheritance: Autosomal dominant inheritance. Affected: yes.
Comment: The HNF1B variant c.494G>A, p.Arg165His causes an amino acid change from Arg to His at position 165 in exon 2 (out of 9). The variant is not observed in the gnomAD v4.1.0 dataset (<0.001). This variant was previously reported in patients with renal cysts and diabetes (PMID: 15068978‚ 15509593‚ 15649945‚ 16249435‚ 20378641‚ 21775974‚ 22051731‚ 24254850‚ 24897035‚ 25441779‚ 29927023‚ 30481753‚ 30655312‚ 31198537‚ 32266039). It is classified as pathogenic based on ACMG/AMP/ClinGen SVI guidelines.

3billion
Classification: Pathogenic for Renal cysts and diabetes syndrome. Last evaluated: 2026-01-07. Review status: criteria provided, single submitter. Criteria: ACMG Guidelines, 2015. Collection method: clinical testing. Allele origin: germline. Affected: yes.
Comment: The variant is not observed in the gnomAD v4.1.0 dataset. Predicted Consequence/Location: The variant is located in a mutational hot spot and/or well-established functional domain in which established pathogenic variants have been reported (PMID: 15509593, 12453420). In silico tool predictions suggest damaging effect of the variant on gene or gene product [REVEL: 0.94 (>=0.6, sensitivity 0.68 and specificity 0.92); 3Cnet: 0.99 (> 0.75, sensitivity 0.96 and precision 0.92)]. The same nucleotide change resulting in the same amino acid change has been previously reported as pathogenic/likely pathogenic with strong evidence (ClinVar ID: VCV000012647 /PMID: 15068978). Different missense changes at the same codon (p.Arg165Cys, p.Arg165Gly, p.Arg165Pro, p.Arg165Ser) have been reported as pathogenic/likely pathogenic with strong evidence (ClinVar ID: VCV000635683, VCV000635684, VCV003234050, VCV004071465 /PMID: 20378641, 27297286, 31131422). Therefore, this variant is classified as Pathogenic according to the recommendation of ACMG/AMP guideline.

Labcorp Genetics (formerly Invitae), Labcorp
Classification: Pathogenic. Last evaluated: 2025-11-18. Review status: criteria provided, single submitter. Criteria: Invitae Variant Classification Sherloc (09022015). Collection method: clinical testing. Allele origin: germline.
Comment: This sequence change replaces arginine, which is basic and polar, with histidine, which is basic and polar, at codon 165 of the HNF1B protein (p.Arg165His). This variant is not present in population databases (gnomAD no frequency). This missense change has been observed in individual(s) with renal cysts and diabetes syndrome (PMID: 15068978, 22051731, 24254850, 31198537). In at least one individual the variant was observed to be de novo. ClinVar contains an entry for this variant (Variation ID: 12647). Invitae Evidence Modeling of protein sequence and biophysical properties (such as structural, functional, and spatial information, amino acid conservation, physicochemical variation, residue mobility, and thermodynamic stability) has been performed for this missense variant. However, the output from this modeling did not meet the statistical confidence thresholds required to predict the impact of this variant on HNF1B protein function. For these reasons, this variant has been classified as Pathogenic.

GeneDx
Classification: Likely pathogenic. Last evaluated: 2025-01-16. Review status: criteria provided, single submitter. Criteria: GeneDx Variant Classification Process June 2021. Collection method: clinical testing. Allele origin: germline. Affected: yes.
Comment: Not observed at significant frequency in large population cohorts (gnomAD); In silico analysis supports that this missense variant has a deleterious effect on protein structure/function; This variant is associated with the following publications: (PMID: 35065907, 22051731, 17924661, 15660195, 30481753, 25441779, 15509593, 31844813, 30655312, 15068978, 27838256, 31198537, 34974531, 34373539, 36504295, 25700310, 36793123, 33532864, 29927023, 24897035, 21775974, 20378641, 15649945, 16249435, 24254850)

Genomic Medicine Center of Excellence, King Faisal Specialist Hospital and Research Centre
Classification: Pathogenic for Renal cysts and diabetes syndrome. Last evaluated: 2024-12-19. Review status: criteria provided, single submitter. Criteria: ACMG Guidelines, 2015. Collection method: clinical testing. Allele origin: germline.

Women's Health and Genetics/Laboratory Corporation of America, LabCorp
Classification: Pathogenic for Maturity-onset diabetes of the young. Last evaluated: 2024-12-10. Review status: criteria provided, single submitter. Criteria: LabCorp Variant Classification Summary - May 2015. Collection method: clinical testing. Allele origin: germline.
Comment: Variant summary: HNF1B c.494G>A (p.Arg165His) results in a non-conservative amino acid change located in the atypical POU-specific (POUs) domain (IPR044869) of the encoded protein sequence. Five of five in-silico tools predict a damaging effect of the variant on protein function. The variant was absent in 251478 control chromosomes. c.494G>A has been reported in the literature in multiple individuals affected with diabetes, renal cysts, and nephropathy (e.g, Bellann-Chantelot_2005, Rasmussen_2013, Wang_2012). This variant has been detected in at least one individual as de novo (e.g., Wang_2012, Smogavec_2022). These data indicate that the variant is very likely to be associated with disease. The following publications have been ascertained in the context of this evaluation (PMID: 16249435, 24254850, 22051731, 34974531). ClinVar contains an entry for this variant (Variation ID: 12647). Based on the evidence outlined above, the variant was classified as pathogenic.

Institute of Human Genetics Munich, TUM University Hospital
Classification: Likely pathogenic for Renal cysts and diabetes syndrome. Last evaluated: 2024-01-18. Review status: criteria provided, single submitter. Criteria: Classification criteria August 2017. Collection method: clinical testing. Allele origin: germline. Inheritance: Autosomal dominant inheritance. Affected: yes. Observed: 1 variant allele.

Fulgent Genetics
Classification: Pathogenic for Type 2 diabetes mellitus; Renal cysts and diabetes syndrome; Nonpapillary renal cell carcinoma. Last evaluated: 2021-11-17. Review status: criteria provided, single submitter. Criteria: ACMG Guidelines, 2015. Collection method: clinical testing. Allele origin: unknown.

Genetics and Molecular Pathology, SA Pathology
Classification: Pathogenic for Type 2 diabetes mellitus. Last evaluated: 2021-08-04. Review status: criteria provided, single submitter. Criteria: ACMG Guidelines, 2015. Collection method: clinical testing. Allele origin: germline. Inheritance: Autosomal dominant inheritance. Affected: yes.

Athena Diagnostics
Classification: Pathogenic. Last evaluated: 2020-12-16. Review status: criteria provided, single submitter. Criteria: Athena Diagnostics criteria. Collection method: clinical testing. Allele origin: unknown.
Comment: This variant has not been reported in large, multi-ethnic general populations. This variant appears to occur de novo in multiple individuals with clinical features associated with this gene. This variant has been identified in multiple unrelated individuals with clinical features associated with this gene. Assessment of experimental evidence suggests this variant results in abnormal protein function. This variant reduces the transactivation capacity of the protein (PMID: 15509593). Computational tools predict that this variant is damaging.

Molecular Biology Laboratory, Fundació Puigvert
Classification: Likely pathogenic for Renal cysts and diabetes syndrome. Last evaluated: 2020-02-01. Review status: criteria provided, single submitter. Criteria: ACMG Guidelines, 2015. Collection method: research. Allele origin: maternal. Affected: yes. Study: KidneyPanel_2020.

Institute of Human Genetics, FAU Erlangen, Friedrich-Alexander-Universität Erlangen-Nürnberg
Classification: Likely pathogenic for Renal cysts and diabetes syndrome. Last evaluated: 2019-07-06. Review status: criteria provided, single submitter. Criteria: ACMG Guidelines, 2015. Collection method: literature only. Allele origin: germline. Affected: yes.
Comment: This variant and it's classification has been reported by Vasileiou et al. 2019; DOI:10.1101/576918. The variants has previously been reported in ClinVar:12647; LOVD:#0000342040; PMID:15068978; PMID:25700310; PMID:16249435; PMID:15068978; PMID:15660195; PMID:24897035; PMID:20378641; PMID:25441779; PMID:29927023; DOI:10.1093/ckj/sfy102; PMID:25536396 as "NM_000458.3(HNF1B):c.494G>A (p.Arg165His); HNF1B:NM_000458.3:c.494G>A (Arg165His); c.494 G->A,p.Arg165His; c.494G>A; c.494 G>A p.Arg165His; Arg165His; c.494G>A p.R165H; c.494G>A; p.Arg165His ; c.494G>A" with clinical significance Pathogenic; Likely pathogenic. It has been re-classified using InterVar and manual curation as Likely pathogenic based on PM1 PM2 PM5 PP3 PP5.

Genetic Services Laboratory, University of Chicago
Classification: Likely pathogenic. Last evaluated: 2018-10-05. Review status: criteria provided, single submitter. Criteria: ACMG Guidelines, 2015. Collection method: clinical testing. Allele origin: germline. Affected: yes.

Molecular Genetics, Madras Diabetes Research Foundation
Classification: Likely pathogenic for Maturity-onset diabetes of the young. Review status: criteria provided, single submitter. Criteria: ACMG Guidelines, 2015. Collection method: clinical testing. Allele origin: germline. Affected: yes.

Yale Center for Mendelian Genomics, Yale University
Classification: Likely pathogenic for Renal cysts and diabetes syndrome. Last evaluated: 2019-01-17. Review status: no assertion criteria provided. Collection method: literature only. Allele origin: germline. Affected: yes. Observed: 1 heterozygote. Study: Yale Center for Mendelian Genomics. Not counted in ClinVar's aggregate classification.

OMIM
Classification: Pathogenic for RENAL CYSTS AND DIABETES SYNDROME. Last evaluated: 2005-03-01. Review status: no assertion criteria provided. Collection method: literature only. Allele origin: unknown. Not counted in ClinVar's aggregate classification.

Literature cited by the submitters: PubMed 15068978 (cited by 6 submitters); PubMed 15509593 (cited by Department of Molecular Genetics, Istishari Arab Hospital and Athena Diagnostics); PubMed 15649945 (cited by 3 submitters); PubMed 16249435 (cited by 4 submitters); PubMed 20378641 (cited by 4 submitters); PubMed 21775974 (cited by Department of Molecular Genetics, Istishari Arab Hospital and Athena Diagnostics); PubMed 22051731 (cited by 4 submitters); PubMed 24254850 (cited by 4 submitters); PubMed 24897035 (cited by 3 submitters); PubMed 25441779 (cited by 4 submitters); PubMed 29927023 (cited by 3 submitters); PubMed 30481753 (cited by Department of Molecular Genetics, Istishari Arab Hospital and Athena Diagnostics); PubMed 30655312 (cited by 3 submitters); PubMed 31198537 (cited by 3 submitters); PubMed 32266039 (cited by Department of Molecular Genetics, Istishari Arab Hospital and Athena Diagnostics); PubMed 34974531 (cited by Women's Health and Genetics/Laboratory Corporation of America, LabCorp); PubMed 33532864 (cited by Molecular Biology Laboratory, Fundació Puigvert); PubMed 25700310 (cited by Institute of Human Genetics, FAU Erlangen, Friedrich-Alexander-Universität Erlangen-Nürnberg); PubMed 15660195 (cited by Institute of Human Genetics, FAU Erlangen, Friedrich-Alexander-Universität Erlangen-Nürnberg); DOI 10.1093/ckj/sfy102 (cited by Institute of Human Genetics, FAU Erlangen, Friedrich-Alexander-Universität Erlangen-Nürnberg); PubMed 25536396 (cited by Institute of Human Genetics, FAU Erlangen, Friedrich-Alexander-Universität Erlangen-Nürnberg); DOI 10.1101/576918 (cited by Institute of Human Genetics, FAU Erlangen, Friedrich-Alexander-Universität Erlangen-Nürnberg).